The following is an entry in ClinVar:

NM_000161.3(GCH1):c.140C>T (p.Ala47Val)

Gene: GCH1 (GTP cyclohydrolase 1; minus strand). Cytogenetic location: 14q22.2.
Variant type: single nucleotide variant.
Coding change: c.140C>T on transcript NM_000161.3 (MANE Select); coding-DNA position 140, C replaced by T.
Protein change: p.Ala47Val; replaces alanine 47 with valine.
Molecular consequence: missense variant.
Genome position (GRCh38, 1-based): chr14:54,902,524, G>A on the plus strand (C>T on the coding strand, the complement: GCH1 is on the minus strand). VCF-style: chr14-54902524-G-A. GRCh37 (hg19) VCF-style: chr14-55369242-G-A.
Other names: c.140C>T, p.Ala47Val (NM_001024024.2, NM_001024070.2, NM_001024071.2 and 1 more transcripts); short protein forms A47V.
Identifiers: ClinVar variation 2926692 (VCV002926692.3), dbSNP rs2040584415, ClinGen allele CA389794190.

ClinVar aggregate classification (germline): Uncertain significance (1 of 4 stars; one submission).

Conditions:
GTP cyclohydrolase I deficiency. Identifiers: MedGen C0268467, MONDO:0100184.
Dystonia 5 (DRD). Also called: DYT-GCH1; DYSTONIA, PROGRESSIVE, WITH DIURNAL VARIATION; DYSTONIA-PARKINSONISM WITH DIURNAL FLUCTUATION; GTP Cyclohydrolase 1-Deficient Dopa-Responsive Dystonia; Dystonia, DOPA-responsive, with or without hyperphenylalaninemia. Identifiers: Orphanet 98808, MedGen C1851920, MONDO:0007495, OMIM 128230.

Allele frequency attached by ClinVar (database versions not stated): gnomAD exomes below 0.00001; TOPMed below 0.00001; gnomAD 0.00001.
gnomAD v4.1: 6 of 1,591,736 alleles (0.00038%); highest among the groups gnomAD compares: Admixed American, 0.007%; no homozygotes.

Submission:

Labcorp Genetics (formerly Invitae), Labcorp
Classification: Uncertain significance for GTP cyclohydrolase I deficiency; Dystonia 5. Last evaluated: 2023-09-06. Review status: criteria provided, single submitter. Criteria: Invitae Variant Classification Sherloc (09022015). Collection method: clinical testing. Allele origin: germline.
Comment: Advanced modeling of protein sequence and biophysical properties (such as structural, functional, and spatial information, amino acid conservation, physicochemical variation, residue mobility, and thermodynamic stability) performed at Invitae indicates that this missense variant is not expected to disrupt GCH1 protein function. In summary, the available evidence is currently insufficient to determine the role of this variant in disease. Therefore, it has been classified as a Variant of Uncertain Significance. This sequence change replaces alanine, which is neutral and non-polar, with valine, which is neutral and non-polar, at codon 47 of the GCH1 protein (p.Ala47Val). This variant is not present in population databases (gnomAD no frequency). This variant has not been reported in the literature in individuals affected with GCH1-related conditions.